The following is an entry in ClinVar:

ClinVar aggregate classification (germline): Likely benign (0 of 4 stars; one submission).

Conditions:
CHD1-related disorder. Also called: CHD1-related condition.

Allele frequency attached by ClinVar (database versions not stated): TOPMed 0.00011; gnomAD 0.00013; ESP Exome Variant Server 0.00015; ExAC 0.00020; 1000 Genomes Project 30x 0.00047; 1000 Genomes Project 0.00060.
gnomAD v4.1: 61 of 1,389,946 alleles (0.0044%); highest among the groups gnomAD compares: African/African-American, 0.029%; no homozygotes.

Submission:

PreventionGenetics, part of Exact Sciences
Classification: Likely benign for CHD1-related condition. Last evaluated: 2019-02-26. Review status: no assertion criteria provided. Collection method: clinical testing. Allele origin: germline.
Comment: This variant is classified as likely benign based on ACMG/AMP sequence variant interpretation guidelines (Richards et al. 2015 PMID: 25741868, with internal and published modifications).

NM_001270.4(CHD1):c.1779T>C (p.Tyr593=)

Gene: CHD1 (chromodomain helicase DNA binding protein 1; minus strand). Cytogenetic location: 5q15.
Variant type: single nucleotide variant.
Coding change: c.1779T>C on transcript NM_001270.4 (MANE Select); coding-DNA position 1779, T replaced by C.
Protein change: p.Tyr593=; no amino-acid change (tyrosine 593 retained).
Molecular consequence: synonymous variant. On other transcripts: non-coding transcript variant (2).
Genome position (GRCh38, 1-based): chr5:98,894,618, A>G on the plus strand (T>C on the coding strand, the complement: CHD1 is on the minus strand). VCF-style: chr5-98894618-A-G. GRCh37 (hg19) VCF-style: chr5-98230322-A-G.
Other names: c.1779T>C, p.Tyr593= (NM_001364113.3, NM_001376194.2).
Identifiers: ClinVar variation 3058666 (VCV003058666.2), dbSNP rs200535497, ClinGen allele CA3356302.